The following is an entry in ClinVar:

NM_004171.4(SLC1A2):c.1543G>A (p.Glu515Lys)

Gene: SLC1A2 (solute carrier family 1 member 2; minus strand). Cytogenetic location: 11p13.
Variant type: single nucleotide variant.
Coding change: c.1543G>A on transcript NM_004171.4 (MANE Select); coding-DNA position 1543, G replaced by A.
Protein change: p.Glu515Lys; replaces glutamic acid 515 with lysine.
Molecular consequence: missense variant.
Genome position (GRCh38, 1-based): chr11:35,265,637, C>T on the plus strand (G>A on the coding strand, the complement: SLC1A2 is on the minus strand). VCF-style: chr11-35265637-C-T. GRCh37 (hg19) VCF-style: chr11-35287184-C-T.
Other names: c.1516G>A, p.Glu506Lys (NM_001195728.3, NM_001252652.2); short protein forms E515K, E506K.
Identifiers: ClinVar variation 3654821 (VCV003654821.2).

ClinVar aggregate classification (germline): Uncertain significance (1 of 4 stars; one submission).

Submission:

Labcorp Genetics (formerly Invitae), Labcorp
Classification: Uncertain significance. Last evaluated: 2024-05-27. Review status: criteria provided, single submitter. Criteria: Invitae Variant Classification Sherloc (09022015). Collection method: clinical testing. Allele origin: germline.
Comment: This sequence change replaces glutamic acid, which is acidic and polar, with lysine, which is basic and polar, at codon 515 of the SLC1A2 protein (p.Glu515Lys). This variant is not present in population databases (gnomAD no frequency). This variant has not been reported in the literature in individuals affected with SLC1A2-related conditions. An algorithm developed to predict the effect of missense changes on protein structure and function (PolyPhen-2) suggests that this variant is likely to be tolerated. In summary, the available evidence is currently insufficient to determine the role of this variant in disease. Therefore, it has been classified as a Variant of Uncertain Significance.